The following is an entry in ClinVar:

NM_005359.6(SMAD4):c.1453T>C (p.Ser485Pro)

Gene: SMAD4 (SMAD family member 4; plus strand). Cytogenetic location: 18q21.2.
Variant type: single nucleotide variant.
Coding change: c.1453T>C on transcript NM_005359.6 (MANE Select); coding-DNA position 1453, T replaced by C.
Protein change: p.Ser485Pro; replaces serine 485 with proline.
Molecular consequence: missense variant. On other transcripts: non-coding transcript variant (1).
Genome position (GRCh38, 1-based): chr18:51,078,261, T>C. VCF-style: chr18-51078261-T-C. GRCh37 (hg19) VCF-style: chr18-48604631-T-C.
Other names: c.1453T>C, p.Ser485Pro (NM_001407041.1, NM_001407042.1); short protein forms S485P.
Identifiers: ClinVar variation 2452507 (VCV002452507.3), dbSNP rs2511391080, ClinGen allele CA402465640.

ClinVar aggregate classification (germline): Uncertain significance (1 of 4 stars; one submission).

Conditions:
Familial thoracic aortic aneurysm and aortic dissection (TAAD). Also called: Thoracic aortic aneurysms and dissections. Identifiers: Orphanet 91387, MedGen C4707243, MONDO:0019625.
Hereditary cancer-predisposing syndrome. Also called: Hereditary Cancer Syndrome; Hereditary neoplastic syndrome; Neoplastic Syndromes, Hereditary; Tumor predisposition. Identifiers: Orphanet 140162, MedGen C0027672, MeSH D009386, MONDO:0015356.

Submission:

Ambry Genetics
Classification: Uncertain significance for Hereditary cancer-predisposing syndrome; Familial thoracic aortic aneurysm and aortic dissection. Last evaluated: 2026-08-11. Review status: criteria provided, single submitter. Criteria: Ambry Variant Classification Scheme 2023. Collection method: clinical testing. Allele origin: germline.
Comment: The p.S485P variant (also known as c.1453T>C), located in coding exon 11 of the SMAD4 gene, results from a T to C substitution at nucleotide position 1453. The serine at codon 485 is replaced by proline, an amino acid with similar properties. This amino acid position is highly conserved in available vertebrate species. In addition, this alteration is predicted to be deleterious by in silico analysis. Based on the available evidence, the clinical significance of this variant remains unclear.